The following is an entry in ClinVar:

NM_001369.3(DNAH5):c.2686_2689dup (p.Glu897fs)

Genes: DNAH5 (dynein axonemal heavy chain 5; minus strand), DNAH5-AS1 (DNAH5 antisense RNA 1; plus strand). Cytogenetic location: 5p15.2.
Variant type: Duplication.
Coding change: c.2686_2689dup on transcript NM_001369.3 (MANE Select); coding-DNA positions 2686 to 2689, 4 bases duplicated (GAAG; older notation c.2686_2689dupGAAG).
Protein change: p.Glu897fs; shifts the reading frame from glutamic acid 897.
Molecular consequence: frameshift variant.
Genome position (GRCh38, 1-based): chr5:13,886,018-13,886,021, CTTC duplicated on the plus strand (GAAG on the coding strand, the reverse complement: DNAH5 is on the minus strand). VCF-style (leftmost placement, unchanged base first): chr5-13886017-T-TCTTC. GRCh37 (hg19) VCF-style: chr5-13886126-T-TCTTC.
Other names: short protein forms E897fs.
Identifiers: ClinVar variation 5012849 (VCV005012849.2).
Genomic context (GRCh38, chr5:13,886,017, plus strand): 5'-CTCTTACCTGAACTTTCATTTTTGTAATTAACACTATTCTCATTGGATATTTTTTCACTT[T>TCTTC]CTTCTTCAGATAAAACTTCCACATCCAGCAACATATTTACAAGCTCATTGACTGCCTCCT-3'

ClinVar aggregate classification (germline): Pathogenic. Review status: criteria provided, multiple submitters, no conflicts (2 of 4 stars). 2 submissions from 2 submitters: Pathogenic (2). Last evaluated 2026-08-01.

Conditions:
Primary ciliary dyskinesia 3. Identifiers: Orphanet 244, MedGen C1837618, MONDO:0012085, OMIM 608644.

Submissions (2):

CeGaT Center for Human Genetics Tuebingen
Classification: Pathogenic. Last evaluated: 2026-08-01. Review status: criteria provided, single submitter. Criteria: CeGaT Center For Human Genetics Tuebingen Variant Classification Criteria Version 2. Collection method: clinical testing. Allele origin: germline. Affected: yes. Observed: 1 variant allele.
Comment: DNAH5: PVS1, PM2, PM3

Myriad Genetics, Inc.
Classification: Pathogenic for Primary ciliary dyskinesia 3. Last evaluated: 2024-05-14. Review status: criteria provided, single submitter. Criteria: Myriad Autosomal Dominant, Autosomal Recessive and X-Linked Classification Criteria (2023). Collection method: clinical testing. Allele origin: unknown.
Comment: NM_001369.2(DNAH5):c.2686_2689dupGAAG(E897Gfs*4) is expected to be pathogenic in the context of primary ciliary dyskinesia, DNAH5-related. This variant is predicted to lead to an abnormal or absent protein product due to the creation of a premature termination codon in DNAH5, a gene where loss-of-function variants are known to be pathogenic. Please note: this variant was assessed in the context of healthy population screening.